The following is an entry in ClinVar:

NM_176869.3(PPA2):c.26G>T (p.Arg9Leu)

Gene: PPA2 (inorganic pyrophosphatase 2; minus strand). Cytogenetic location: 4q24.
Variant type: single nucleotide variant.
Coding change: c.26G>T on transcript NM_176869.3 (MANE Select); coding-DNA position 26, G replaced by T.
Protein change: p.Arg9Leu; replaces arginine 9 with leucine.
Molecular consequence: missense variant.
Genome position (GRCh38, 1-based): chr4:105,474,025, C>A on the plus strand (G>T on the coding strand, the complement: PPA2 is on the minus strand). VCF-style: chr4-105474025-C-A. GRCh37 (hg19) VCF-style: chr4-106395182-C-A.
Other names: c.26G>T (NM_176869.2); c.26G>T, p.Arg9Leu (NM_006903.4, NM_176866.2, NM_176867.3); short protein forms R9L.
Identifiers: ClinVar variation 1897282 (VCV001897282.4), dbSNP rs757918569, ClinGen allele CA3032875.
Genomic context (GRCh38, chr4:105,474,025, plus strand): 5'-CGCGACCCGGTCCCTGCACTGGTCCCCAACCGCAGGCACGCAGCGGCTGGGGCACCCGTG[C>A]GCAGCAGCCGCAGCAGCGCGCTCATGGCGTCAATGACGGTCCTGCTGTGCGCGCGGAGCT-3'
Protein context (NP_789845.1, residues 1-19): MSALLRLL[Arg9Leu]TGAPAAACLR

ClinVar aggregate classification (germline): Uncertain significance. Review status: criteria provided, multiple submitters, no conflicts (2 of 4 stars). 2 submissions from 2 submitters: Uncertain significance (2). Last evaluated 2025-11-07.

Conditions:
Inborn genetic diseases. Identifiers: MedGen C0950123, MeSH D030342.

Allele frequency attached by ClinVar (database versions not stated): ExAC 0.00002; gnomAD 0.00002.
gnomAD v4.1: 69 of 1,590,988 alleles (0.0043%); highest among the groups gnomAD compares: Non-Finnish European, 0.0056%; no homozygotes.

Submissions (2):

Ambry Genetics
Classification: Uncertain significance for Inborn genetic diseases. Last evaluated: 2025-11-07. Review status: criteria provided, single submitter. Criteria: Ambry Variant Classification Scheme 2023. Collection method: clinical testing. Allele origin: germline.

Labcorp Genetics (formerly Invitae), Labcorp
Classification: Uncertain significance. Last evaluated: 2022-05-15. Review status: criteria provided, single submitter. Criteria: Invitae Variant Classification Sherloc (09022015). Collection method: clinical testing. Allele origin: germline.
Comment: This sequence change replaces arginine, which is basic and polar, with leucine, which is neutral and non-polar, at codon 9 of the PPA2 protein (p.Arg9Leu). This variant is present in population databases (rs757918569, gnomAD 0.005%). This variant has not been reported in the literature in individuals affected with PPA2-related conditions. Algorithms developed to predict the effect of missense changes on protein structure and function (SIFT, PolyPhen-2, Align-GVGD) all suggest that this variant is likely to be tolerated. In summary, the available evidence is currently insufficient to determine the role of this variant in disease. Therefore, it has been classified as a Variant of Uncertain Significance.